The following is an entry in ClinVar:

NM_001458.5(FLNC):c.8050G>C (p.Val2684Leu)

Genes: FLNC-AS1 (FLNC antisense RNA 1; minus strand), FLNC (filamin C; plus strand). Cytogenetic location: 7q32.1.
Variant type: single nucleotide variant.
Coding change: c.8050G>C on transcript NM_001458.5 (MANE Select); coding-DNA position 8050, G replaced by C.
Protein change: p.Val2684Leu; replaces valine 2684 with leucine.
Molecular consequence: missense variant.
Genome position (GRCh38, 1-based): chr7:128,858,395, G>C. VCF-style: chr7-128858395-G-C. GRCh37 (hg19) VCF-style: chr7-128498449-G-C.
Other names: c.7951G>C, p.Val2651Leu (NM_001127487.2); short protein forms V2651L, V2684L.
Identifiers: ClinVar variation 3754722 (VCV003754722.2).

ClinVar aggregate classification (germline): Uncertain significance (1 of 4 stars; one submission).

Conditions:
Myofibrillar myopathy 5. Also called: Filaminopathy (type); FILAMINOPATHY, AUTOSOMAL DOMINANT. Identifiers: Orphanet 171445, MedGen C1836050, MONDO:0012289, OMIM 609524.
Distal myopathy with posterior leg and anterior hand involvement. Also called: WILLIAMS DISTAL MYOPATHY. Identifiers: Orphanet 63273, MedGen C3279722, MONDO:0013550, OMIM 614065.
Hypertrophic cardiomyopathy 26. Also called: Cardiomyopathy, familial hypertrophic, 26. Identifiers: Orphanet 75249, MedGen C4310749, MONDO:0014883, OMIM 617047.

Submission:

Labcorp Genetics (formerly Invitae), Labcorp
Classification: Uncertain significance for Distal myopathy with posterior leg and anterior hand involvement; Myofibrillar myopathy 5; Hypertrophic cardiomyopathy 26. Last evaluated: 2024-11-06. Review status: criteria provided, single submitter. Criteria: Invitae Variant Classification Sherloc (09022015). Collection method: clinical testing. Allele origin: germline.
Comment: This sequence change replaces valine, which is neutral and non-polar, with leucine, which is neutral and non-polar, at codon 2684 of the FLNC protein (p.Val2684Leu). This variant is not present in population databases (gnomAD no frequency). This variant has not been reported in the literature in individuals affected with FLNC-related conditions. Invitae Evidence Modeling of protein sequence and biophysical properties (such as structural, functional, and spatial information, amino acid conservation, physicochemical variation, residue mobility, and thermodynamic stability) indicates that this missense variant is not expected to disrupt FLNC protein function with a negative predictive value of 95%. In summary, the available evidence is currently insufficient to determine the role of this variant in disease. Therefore, it has been classified as a Variant of Uncertain Significance.